The following is an entry in ClinVar:

NM_024649.5(BBS1):c.1016A>T (p.His339Leu)

Genes: BBS1 (Bardet-Biedl syndrome 1; plus strand), ZDHHC24 (zDHHC palmitoyltransferase 24; minus strand). Cytogenetic location: 11q13.2.
Variant type: single nucleotide variant.
Coding change: c.1016A>T on transcript NM_024649.5 (MANE Select); coding-DNA position 1016, A replaced by T.
Protein change: p.His339Leu; replaces histidine 339 with leucine.
Molecular consequence: missense variant. On other transcripts: intron variant (1).
Genome position (GRCh38, 1-based): chr11:66,523,788, A>T. VCF-style: chr11-66523788-A-T. GRCh37 (hg19) VCF-style: chr11-66291259-A-T.
Other names: c.1016A>T (NM_024649.4); c.*22-2322T>A (NM_001348571.2); short protein forms H339L.
Identifiers: ClinVar variation 625443 (VCV000625443.5), dbSNP rs1389335279, ClinGen allele CA381462305.

ClinVar aggregate classification (germline): Uncertain significance. Review status: criteria provided, multiple submitters, no conflicts (2 of 4 stars). 2 submissions from 2 submitters: Uncertain significance (2). Last evaluated 2022-10-16.

Conditions:
BBS1-related disorder. Also called: BBS1-related condition.
Bardet-Biedl syndrome (BBS). Identifiers: Orphanet 110, MedGen C0752166, MONDO:0015229.

Allele frequency attached by ClinVar (database versions not stated): gnomAD exomes below 0.00001 and 0.00001.
gnomAD v4.1: 4 of 1,613,522 alleles (0.00025%); highest among the groups gnomAD compares: Non-Finnish European, 0.00034%; no homozygotes.

Submissions (2):

PreventionGenetics, part of Exact Sciences
Classification: Uncertain significance for BBS1-related condition. Last evaluated: 2022-10-16. Review status: criteria provided, single submitter. Criteria: ACMG Guidelines, 2015. Collection method: clinical testing. Allele origin: germline.
Comment: The BBS1 c.1016A>T variant is predicted to result in the amino acid substitution p.His339Leu. This variant has been reported in patients with Bardet-Biedl syndrome, but no second variant was found in BBS1 (Manara et al. 2019. PubMed ID: 31196119; Focșa et al. 2021. PubMed ID: 34760276). This variant is reported in 0.00088% of alleles in individuals of European (Non-Finnish) descent in gnomAD. At this time, the clinical significance of this variant is uncertain due to the absence of conclusive functional and genetic evidence.

MAGI'S LAB - Medical Genetics Laboratory, MAGI GROUP
Classification: Uncertain significance for Bardet-Biedl syndrome. Last evaluated: 2018-10-01. Review status: criteria provided, single submitter. Criteria: ACMG Guidelines, 2015. Collection method: clinical testing. Allele origin: germline. Affected: yes.

Literature cited by the submitters: PubMed 12118255 (cited by MAGI'S LAB - Medical Genetics Laboratory, MAGI GROUP).